The following is an entry in ClinVar:

ClinVar aggregate classification (germline): Uncertain significance (1 of 4 stars; one submission).

Conditions:
Inborn genetic diseases. Identifiers: MedGen C0950123, MeSH D030342.

Submission:

Ambry Genetics
Classification: Uncertain significance for Inborn genetic diseases. Last evaluated: 2024-07-28. Review status: criteria provided, single submitter. Criteria: Ambry Variant Classification Scheme 2023. Collection method: clinical testing. Allele origin: germline.
Comment: The p.R563K variant (also known as c.1688G>A), located in coding exon 18 of the ERCC2 gene, results from a G to A substitution at nucleotide position 1688. The arginine at codon 563 is replaced by lysine, an amino acid with highly similar properties. This amino acid position is conserved. In addition, the in silico prediction for this alteration is inconclusive. Since supporting evidence is limited at this time, the clinical significance of this alteration remains unclear.

NM_000400.4(ERCC2):c.1688G>A (p.Arg563Lys)

Gene: ERCC2 (ERCC excision repair 2, TFIIH core complex helicase subunit; minus strand). Cytogenetic location: 19q13.32.
Variant type: single nucleotide variant.
Coding change: c.1688G>A on transcript NM_000400.4 (MANE Select); coding-DNA position 1688, G replaced by A.
Protein change: p.Arg563Lys; replaces arginine 563 with lysine.
Molecular consequence: missense variant.
Genome position (GRCh38, 1-based): chr19:45,353,312, C>T on the plus strand (G>A on the coding strand, the complement: ERCC2 is on the minus strand). VCF-style: chr19-45353312-C-T. GRCh37 (hg19) VCF-style: chr19-45856570-C-T.
Other names: short protein forms R563K.
Identifiers: ClinVar variation 1778060 (VCV001778060.3), dbSNP rs2514002857, ClinGen allele CA406364500.
Genomic context (GRCh38, chr19:45,353,312, plus strand): 5'-TTCTCCAGGGCGACACTGGTTTCGGCACCATCCTGGGTCTCAATAAAGAGCAGCTTGTTC[C>T]TCTGGATGTTCTCAAGGATCCCCTGGGGAAGGACCCAGGGAGGTCAGGGTGGGTTCAGGG-3'
Protein context (NP_000391.1, residues 553-573): YEQGILENIQ[Arg563Lys]NKLLFIETQD